The following is an entry in ClinVar:

NM_001388492.1(HTT):c.1069G>T (p.Val357Phe)

Gene: HTT (huntingtin; plus strand). Cytogenetic location: 4p16.3.
Variant type: single nucleotide variant.
Coding change: c.1069G>T on transcript NM_001388492.1 (MANE Select); coding-DNA position 1069, G replaced by T.
Protein change: p.Val357Phe; replaces valine 357 with phenylalanine.
Molecular consequence: missense variant.
Genome position (GRCh38, 1-based): chr4:3,121,228, G>T. VCF-style: chr4-3121228-G-T. GRCh37 (hg19) VCF-style: chr4-3122955-G-T.
Other names: c.1075G>T, p.Val359Phe (NM_002111.8); short protein forms V357F, V359F.
Identifiers: ClinVar variation 1487002 (VCV001487002.6), dbSNP rs1715280857, ClinGen allele CA356070376.
Genomic context (GRCh38, chr4:3,121,228, plus strand): 5'-TGAAGCTTAGGATGCATTTTATAAACTCTGACCAGAACACCTGTGTTTCTCTGTTTCTAG[G>T]TTTATGAACTGACGTTACATCATACACAGCACCAAGACCACAATGTTGTGACCGGAGCCC-3'
Protein context (NP_001375421.1, residues 347-367): VSPSAEQLVQ[Val357Phe]YELTLHHTQH

ClinVar aggregate classification (germline): Uncertain significance (1 of 4 stars; one submission).

Allele frequency attached by ClinVar (database versions not stated): gnomAD 0.00001; gnomAD exomes 0.00001; TOPMed 0.00001.

Submission:

Labcorp Genetics (formerly Invitae), Labcorp
Classification: Uncertain significance. Last evaluated: 2022-08-16. Review status: criteria provided, single submitter. Criteria: Invitae Variant Classification Sherloc (09022015). Collection method: clinical testing. Allele origin: germline.
Comment: This variant is not present in population databases (gnomAD no frequency). This sequence change replaces valine, which is neutral and non-polar, with phenylalanine, which is neutral and non-polar, at codon 359 of the HTT protein (p.Val359Phe). ClinVar contains an entry for this variant (Variation ID: 1487002). Experimental studies and prediction algorithms are not available or were not evaluated, and the functional significance of this variant is currently unknown. In summary, the available evidence is currently insufficient to determine the role of this variant in disease. Therefore, it has been classified as a Variant of Uncertain Significance. This variant has not been reported in the literature in individuals affected with HTT-related conditions.